The following is an entry in ClinVar:

NM_001012720.2(RGR):c.80-2A>C

Gene: RGR (retinal G protein coupled receptor; plus strand). Cytogenetic location: 10q23.1.
Variant type: single nucleotide variant.
Coding change: c.80-2A>C on transcript NM_001012720.2 (MANE Select); the canonical splice acceptor site of the intron before coding-DNA position 80, A replaced by C.
Molecular consequence: splice acceptor variant.
Genome position (GRCh38, 1-based): chr10:84,247,589, A>C. VCF-style: chr10-84247589-A-C. GRCh37 (hg19) VCF-style: chr10-86007345-A-C.
Other names: c.80-2A>C (NM_002921.4, NM_001012722.2).
Identifiers: ClinVar variation 2833290 (VCV002833290.3), dbSNP rs1842762153, ClinGen allele CA377390570.

ClinVar aggregate classification (germline): Uncertain significance (1 of 4 stars; one submission).

Allele frequency attached by ClinVar (database versions not stated): gnomAD exomes below 0.00001.
gnomAD v4.1: 1 of 1,613,822 alleles (0.000062%); highest among the groups gnomAD compares: South Asian, 0.0011%; no homozygotes.

Submission:

Labcorp Genetics (formerly Invitae), Labcorp
Classification: Uncertain significance. Last evaluated: 2023-02-13. Review status: criteria provided, single submitter. Criteria: Invitae Variant Classification Sherloc (09022015). Collection method: clinical testing. Allele origin: germline.
Comment: In summary, the available evidence is currently insufficient to determine the role of this variant in disease. Therefore, it has been classified as a Variant of Uncertain Significance. Algorithms developed to predict the effect of sequence changes on RNA splicing suggest that this variant may disrupt the consensus splice site. This variant has not been reported in the literature in individuals affected with RGR-related conditions. This variant is not present in population databases (gnomAD no frequency). This sequence change affects an acceptor splice site in intron 1 of the RGR gene. It is expected to disrupt RNA splicing. Variants that disrupt the donor or acceptor splice site typically lead to a loss of protein function (PMID: 16199547), however the current clinical and genetic evidence is not sufficient to establish whether loss-of-function variants in RGR cause disease.

Literature cited by the submitters: PubMed 16199547.